The following is an entry in ClinVar:

NM_001163809.2(WDR81):c.3839T>C (p.Ile1280Thr)

Gene: WDR81 (WD repeat domain 81; plus strand). Cytogenetic location: 17p13.3.
Variant type: single nucleotide variant.
Coding change: c.3839T>C on transcript NM_001163809.2 (MANE Select); coding-DNA position 3839, T replaced by C.
Protein change: p.Ile1280Thr; replaces isoleucine 1280 with threonine.
Molecular consequence: missense variant.
Genome position (GRCh38, 1-based): chr17:1,730,818, T>C. VCF-style: chr17-1730818-T-C. GRCh37 (hg19) VCF-style: chr17-1634112-T-C.
Other names: p.Ile1280Thr; c.230T>C, p.Ile77Thr (NM_001163673.2); c.158T>C, p.Ile53Thr (NM_001163811.2); c.686T>C, p.Ile229Thr (NM_152348.4); short protein forms I1280T, I229T, I53T, I77T.
Identifiers: ClinVar variation 3380453 (VCV003380453.1).

ClinVar aggregate classification (germline): Uncertain significance (1 of 4 stars; one submission).

Submission:

Mayo Clinic Laboratories, Mayo Clinic
Classification: Uncertain significance. Last evaluated: 2023-11-15. Review status: criteria provided, single submitter. Criteria: ACMG Guidelines, 2015. Collection method: clinical testing. Allele origin: germline. Observed: 1 variant allele.
Comment: BP4, PM2_moderate